The following is an entry in ClinVar:

ClinVar aggregate classification (germline): Uncertain significance (1 of 4 stars; one submission).

Submission:

Clinical Genomics Laboratory, Laboratory for Precision Diagnostics, University of Washington
Classification: Uncertain significance. Last evaluated: 2024-05-23. Review status: criteria provided, single submitter. Criteria: ACMG/ClinGen CNV Guidelines, 2019. Collection method: clinical testing. Allele origin: unknown. Affected: yes. Observed: 1 variant allele.
Comment: The interstitial duplication is approximately 583 kb in size and affects 6 protein-coding genes. None of the genes in this region are known to cause medical problems in humans when an extra copy is present (triplosensitivity), and this is not a known triplosensitive genomic region. The distal breakpoint of the duplication lies within CECR2. It is unknown whether this duplication would disrupt CECR2 or affect its expression. No similar duplications appear in the Database of Genomic Variants (DGV) or gnomAD, two databases of copy number variants found in healthy control people. A review of public clinical databases (ClinVar, DECIPHER) and the medical literature shows two other similar duplications, both in ClinVar. VCV000625581.1 was classified as pathogenic by Baylor in November 2018, but no clinical or inheritance information was included to support this classification. VCV000148255.2 was a maternally-inherited duplication found in a person with global developmental delay that was classified as likely benign by ISCA site 1 in May of 2011.

GRCh38/hg38 22q11.1-11.21(chr22:16848711-17431799)x3

Genes: TMEM121B (transmembrane protein 121B; minus strand), ADA2 (adenosine deaminase 2; minus strand), CECR2 (CECR2 histone acetyl-lysine reader; plus strand), CECR3 (cat eye syndrome chromosome region, candidate 3; minus strand), CECR7 (cat eye syndrome chromosome region, candidate 7; plus strand) and 42 more. Cytogenetic location: 22q11.1-11.21.
Variant type: copy number gain.
Change: copy number 3 (three copies instead of two) of chr22:16,848,711-17,431,799 (583.1 kb, GRCh38 coordinates, 1-based), cytogenetic band 22q11.1-11.21.
Identifiers: ClinVar variation 4974686 (VCV004974686.1).